The following is an entry in ClinVar:

ClinVar aggregate classification (germline): Uncertain significance (1 of 4 stars; one submission).

Submission:

GeneDx
Classification: Uncertain significance. Last evaluated: 2020-05-01. Review status: criteria provided, single submitter. Criteria: GeneDx Variant Classification Process June 2021. Collection method: clinical testing. Allele origin: germline. Affected: yes.
Comment: Not observed in large population cohorts (Lek et al., 2016); In silico analysis, which includes protein predictors and evolutionary conservation, supports that this variant does not alter protein structure/function; Has not been previously published as pathogenic or benign to our knowledge

NM_024665.7(TBL1XR1):c.1408A>G (p.Asn470Asp)

Gene: TBL1XR1 (TBL1X/Y related 1; minus strand). Cytogenetic location: 3q26.32.
Variant type: single nucleotide variant.
Coding change: c.1408A>G on transcript NM_024665.7 (MANE Select); coding-DNA position 1408, A replaced by G.
Protein change: p.Asn470Asp; replaces asparagine 470 with aspartic acid.
Molecular consequence: missense variant.
Genome position (GRCh38, 1-based): chr3:177,032,979, T>C on the plus strand (A>G on the coding strand, the complement: TBL1XR1 is on the minus strand). VCF-style: chr3-177032979-T-C. GRCh37 (hg19) VCF-style: chr3-176750767-T-C.
Other names: c.1408A>G, p.Asn470Asp (NM_001321193.3, NM_001321194.3, NM_001374327.1 and 2 more transcripts); c.1147A>G, p.Asn383Asp (NM_001321195.3, NM_001374330.1); short protein forms N383D, N470D.
Identifiers: ClinVar variation 1309317 (VCV001309317.2), dbSNP rs2108407589, ClinGen allele CA355554194.